The following is an entry in ClinVar:

NM_004336.5(BUB1):c.626G>A (p.Arg209Gln)

Gene: BUB1 (BUB1 mitotic checkpoint serine/threonine kinase; minus strand). Cytogenetic location: 2q13.
Variant type: single nucleotide variant.
Coding change: c.626G>A on transcript NM_004336.5 (MANE Select); coding-DNA position 626, G replaced by A.
Protein change: p.Arg209Gln; replaces arginine 209 with glutamine.
Molecular consequence: missense variant.
Genome position (GRCh38, 1-based): chr2:110,667,700, C>T on the plus strand (G>A on the coding strand, the complement: BUB1 is on the minus strand). VCF-style: chr2-110667700-C-T. GRCh37 (hg19) VCF-style: chr2-111425277-C-T.
Other names: c.566G>A, p.Arg189Gln (NM_001278616.2); c.626G>A, p.Arg209Gln (NM_001278617.2); short protein forms R209Q, R189Q.
Identifiers: ClinVar variation 2698506 (VCV002698506.3), dbSNP rs531352365, ClinGen allele CA1828285.
Genomic context (GRCh38, chr2:110,667,700, plus strand): 5'-ACTTTGGATGCCAAAGATGAGTGCACAGAATATTCTGATTTAGAAATCGTGATCACTCTT[C>T]GTTCCCTACAATGGGGGAAAATACATTATTTACAACAATGTACCTAAGAGCACTTAAAGG-3'
Protein context (NP_004327.1, residues 199-219): SACDKESNME[Arg209Gln]RVITISKSEY

ClinVar aggregate classification (germline): Uncertain significance (1 of 4 stars; one submission).

Allele frequency attached by ClinVar (database versions not stated): ExAC 0.00001; gnomAD exomes 0.00001; TOPMed 0.00002; gnomAD 0.00003; 1000 Genomes Project 0.00020; 1000 Genomes Project 30x 0.00031.
gnomAD v4.1: 12 of 1,612,328 alleles (0.00074%); highest among the groups gnomAD compares: Admixed American, 0.0017%; no homozygotes.

Submission:

Labcorp Genetics (formerly Invitae), Labcorp
Classification: Uncertain significance. Last evaluated: 2023-12-08. Review status: criteria provided, single submitter. Criteria: Invitae Variant Classification Sherloc (09022015). Collection method: clinical testing. Allele origin: germline.
Comment: This sequence change replaces arginine, which is basic and polar, with glutamine, which is neutral and polar, at codon 209 of the BUB1 protein (p.Arg209Gln). This variant is present in population databases (rs531352365, gnomAD 0.003%). This variant has not been reported in the literature in individuals affected with BUB1-related conditions. Algorithms developed to predict the effect of missense changes on protein structure and function output the following: SIFT: "Not Available"; PolyPhen-2: "Not Available"; Align-GVGD: "Not Available". The glutamine amino acid residue is found in multiple mammalian species, which suggests that this missense change does not adversely affect protein function. In summary, the available evidence is currently insufficient to determine the role of this variant in disease. Therefore, it has been classified as a Variant of Uncertain Significance.